The following is an entry in ClinVar:

ClinVar aggregate classification (germline): Likely benign. Review status: criteria provided, multiple submitters, no conflicts (2 of 4 stars). 3 submissions from 3 submitters: Likely benign (2). 1 of the submissions does not count toward it. Last evaluated 2026-01-26.

Conditions:
Spondylocostal dysostosis 3, autosomal recessive (SCDO3). Also called: LFNG-Related Spondylocostal Dysostosis, Autosomal Recessive. Identifiers: Orphanet 2311, MedGen C1853296, MONDO:0012349, OMIM 609813.
LFNG-related disorder. Also called: LFNG-related condition.

Allele frequency attached by ClinVar (database versions not stated): 1000 Genomes Project 0.00040; 1000 Genomes Project 30x 0.00047; TOPMed 0.00121; gnomAD 0.00122 and 0.00128; ESP Exome Variant Server 0.00169.
gnomAD v4.1: 2,908 of 1,612,378 alleles (0.18%); highest among the groups gnomAD compares: Non-Finnish European, 0.23%; 3 homozygotes.

Submissions (3):

Labcorp Genetics (formerly Invitae), Labcorp
Classification: Likely benign for Spondylocostal dysostosis 3, autosomal recessive. Last evaluated: 2026-01-26. Review status: criteria provided, single submitter. Criteria: Invitae Variant Classification Sherloc (09022015). Collection method: clinical testing. Allele origin: germline.

Blueprint Genetics
Classification: Likely benign. Last evaluated: 2024-10-31. Review status: criteria provided, single submitter. Criteria: ACMG Guidelines, 2015. Collection method: clinical testing. Allele origin: germline.

PreventionGenetics, part of Exact Sciences
Classification: Likely benign for LFNG-related condition. Last evaluated: 2023-04-18. Review status: no assertion criteria provided. Collection method: clinical testing. Allele origin: germline. Not counted in ClinVar's aggregate classification.
Comment: This variant is classified as likely benign based on ACMG/AMP sequence variant interpretation guidelines (Richards et al. 2015 PMID: 25741868, with internal and published modifications).

NM_001040167.2(LFNG):c.667G>A (p.Val223Ile)

Gene: LFNG (LFNG O-fucosylpeptide 3-beta-N-acetylglucosaminyltransferase; plus strand). Cytogenetic location: 7p22.3.
Variant type: single nucleotide variant.
Coding change: c.667G>A on transcript NM_001040167.2 (MANE Select); coding-DNA position 667, G replaced by A.
Protein change: p.Val223Ile; replaces valine 223 with isoleucine.
Molecular consequence: missense variant.
Genome position (GRCh38, 1-based): chr7:2,525,499, G>A. VCF-style: chr7-2525499-G-A. GRCh37 (hg19) VCF-style: chr7-2565133-G-A.
Other names: c.667G>A, p.Val223Ile (NM_001040168.2); c.454G>A, p.Val152Ile (NM_001166355.2); c.280G>A, p.Val94Ile (NM_002304.3); short protein forms V223I, V94I, V152I.
Identifiers: ClinVar variation 800232 (VCV000800232.14), dbSNP rs142596712, ClinGen allele CA4127068.